The following is an entry in ClinVar:

ClinVar aggregate classification (germline): Uncertain significance. Review status: criteria provided, multiple submitters, no conflicts (2 of 4 stars). 4 submissions from 4 submitters: Uncertain significance (4). Last evaluated 2026-02-06.

Conditions:
SAMD9-related disorder. Also called: SAMD9-related condition.

Allele frequency attached by ClinVar (database versions not stated): ExAC 0.00001; gnomAD exomes 0.00001; gnomAD 0.00002 and 0.00003; TOPMed 0.00003.
gnomAD v4.1: 15 of 1,613,756 alleles (0.00093%); highest among the groups gnomAD compares: Admixed American, 0.0083%; no homozygotes.

Submissions (4):

Women's Health and Genetics/Laboratory Corporation of America, LabCorp
Classification: Uncertain significance. Last evaluated: 2026-02-06. Review status: criteria provided, single submitter. Criteria: LabCorp Variant Classification Summary - May 2015. Collection method: clinical testing. Allele origin: germline.
Comment: Variant summary: SAMD9 c.1328A>T (p.Asp443Val) results in a non-conservative amino acid change in the encoded protein sequence. Algorithms developed to predict the effect of missense changes on protein structure and function are either unavailable or do not agree on the potential impact of this missense change. The variant allele was found at a frequency of 8e-06 in 250798 control chromosomes. The available data on variant occurrences in the general population are insufficient to allow any conclusion about variant significance. c.1328A>T has been observed in an individual affected with severe aplastic anemia (McReynolds_2022). These report(s) do not provide unequivocal conclusions about association of the variant with MIRAGE Syndrome. To our knowledge, no experimental evidence demonstrating an impact on protein function has been reported. The following publication has been ascertained in the context of this evaluation (PMID: 35776903). ClinVar contains an entry for this variant (Variation ID: 1385605). Based on the evidence outlined above, the variant was classified as uncertain significance.

Labcorp Genetics (formerly Invitae), Labcorp
Classification: Uncertain significance. Last evaluated: 2025-11-27. Review status: criteria provided, single submitter. Criteria: Invitae Variant Classification Sherloc (09022015). Collection method: clinical testing. Allele origin: germline.
Comment: This sequence change replaces aspartic acid, which is acidic and polar, with valine, which is neutral and non-polar, at codon 443 of the SAMD9 protein (p.Asp443Val). This variant is present in population databases (rs749825806, gnomAD 0.003%). This missense change has been observed in individual(s) with severe aplastic anemia (PMID: 35776903). ClinVar contains an entry for this variant (Variation ID: 1385605). Invitae Evidence Modeling of protein sequence and biophysical properties (such as structural, functional, and spatial information, amino acid conservation, physicochemical variation, residue mobility, and thermodynamic stability) has been performed for this missense variant. However, the output from this modeling did not meet the statistical confidence thresholds required to predict the impact of this variant on SAMD9 protein function. In summary, the available evidence is currently insufficient to determine the role of this variant in disease. Therefore, it has been classified as a Variant of Uncertain Significance.

PreventionGenetics, part of Exact Sciences
Classification: Uncertain significance for SAMD9-related condition. Last evaluated: 2024-12-21. Review status: criteria provided, single submitter. Criteria: ACMG Guidelines, 2015. Collection method: clinical testing. Allele origin: germline.
Comment: The SAMD9 c.1328A>T variant is predicted to result in the amino acid substitution p.Asp443Val. To our knowledge, this variant has not been reported in the literature. This variant is reported in 0.0029% of alleles in individuals of Latino descent in gnomAD. At this time, the clinical significance of this variant is uncertain due to the absence of conclusive functional and genetic evidence.

GeneDx
Classification: Uncertain significance. Last evaluated: 2024-06-18. Review status: criteria provided, single submitter. Criteria: GeneDx Variant Classification Process June 2021. Collection method: clinical testing. Allele origin: germline.
Comment: In silico analysis supports that this missense variant has a deleterious effect on protein structure/function; Has not been previously published as pathogenic or benign to our knowledge; This variant is associated with the following publications: (PMID: 28545555)

Literature cited by the submitters: PubMed 35776903 (cited by Women's Health and Genetics/Laboratory Corporation of America, LabCorp and Labcorp Genetics (formerly Invitae), Labcorp).

NM_017654.4(SAMD9):c.1328A>T (p.Asp443Val)

Gene: SAMD9 (sterile alpha motif domain containing 9; minus strand). Cytogenetic location: 7q21.2.
Variant type: single nucleotide variant.
Coding change: c.1328A>T on transcript NM_017654.4 (MANE Select); coding-DNA position 1328, A replaced by T.
Protein change: p.Asp443Val; replaces aspartic acid 443 with valine.
Molecular consequence: missense variant.
Genome position (GRCh38, 1-based): chr7:93,104,770, T>A on the plus strand (A>T on the coding strand, the complement: SAMD9 is on the minus strand). VCF-style: chr7-93104770-T-A. GRCh37 (hg19) VCF-style: chr7-92734083-T-A.
Other names: c.1328A>T, p.Asp443Val (NM_001193307.2); c.1328A>T (NM_017654.3); short protein forms D443V.
Identifiers: ClinVar variation 1385605 (VCV001385605.13), dbSNP rs749825806, ClinGen allele CA4342990.